The following is an entry in ClinVar:

ClinVar aggregate classification (germline): Benign (1 of 4 stars; one submission).

Conditions:
Leukodystrophy, hypomyelinating, 7, with or without oligodontia and/or hypogonadotropic hypogonadism (HLD7). Also called: LEUKOENCEPHALOPATHY, HYPOMYELINATING, WITH ATAXIA AND DELAYED DENTITION; ATAXIA, DELAYED DENTITION, AND HYPOMYELINATION; LEUKODYSTROPHY, HYPOMYELINATING, 7, WITH OLIGODONTIA; LEUKODYSTROPHY, HYPOMYELINATING, 7, WITH OLIGODONTIA AND HYPOGONADOTROPIC HYPOGONADISM; LEUKODYSTROPHY, HYPOMYELINATING, 7, WITHOUT OLIGODONTIA OR HYPOGONADOTROPIC HYPOGONADISM; Ataxia, Delayed Dentition and Hypomyelination (ADDH). Identifiers: Orphanet 137639, Orphanet 447893, Orphanet 447896, Orphanet 77295, Orphanet 88637, MedGen CN034185, MONDO:0011897, OMIM 607694.

Allele frequency attached by ClinVar (database versions not stated): gnomAD 0.00384 and 0.00404; TOPMed 0.00419; 1000 Genomes Project 30x 0.00422; 1000 Genomes Project 0.00439; gnomAD exomes 0.01316.
gnomAD v4.1: 579 of 152,418 alleles (0.38%); highest among the groups gnomAD compares: African/African-American, 1.3%; 5 homozygotes.

Submission:

Illumina Laboratory Services, Illumina
Classification: Benign for Leukodystrophy, hypomyelinating, 7, with or without oligodontia and/or hypogonadotropic hypogonadism. Last evaluated: 2018-01-12. Review status: criteria provided, single submitter. Criteria: ICSL Variant Classification Criteria 13 December 2019. Collection method: clinical testing. Allele origin: germline.
Comment: This variant was observed in the ICSL laboratory as part of a predisposition screen in an ostensibly healthy population. It had not been previously curated by ICSL or reported in the Human Gene Mutation Database (HGMD: prior to June 1st, 2018), and was therefore a candidate for classification through an automated scoring system. Utilizing variant allele frequency, disease prevalence and penetrance estimates, and inheritance mode, an automated score was calculated to assess if this variant is too frequent to cause the disease. Based on the score and internal cut-off values, a variant classified as benign is not then subjected to further curation. The score for this variant resulted in a classification of benign for this disease.

NM_007055.4(POLR3A):c.*1718G>C

Gene: POLR3A (RNA polymerase III subunit A; minus strand). Cytogenetic location: 10q22.3.
Variant type: single nucleotide variant.
Coding change: c.*1718G>C on transcript NM_007055.4 (MANE Select); 1718 bases downstream of the stop codon, G replaced by C.
Molecular consequence: 3 prime UTR variant.
Genome position (GRCh38, 1-based): chr10:77,975,760, C>G on the plus strand (G>C on the coding strand, the complement: POLR3A is on the minus strand). VCF-style: chr10-77975760-C-G. GRCh37 (hg19) VCF-style: chr10-79735518-C-G.
Identifiers: ClinVar variation 301000 (VCV000301000.5), dbSNP rs144088118, ClinGen allele CA10636529.